The following is an entry in ClinVar:

NM_003839.4(TNFRSF11A):c.575C>T (p.Ala192Val)

Gene: TNFRSF11A (TNF receptor superfamily member 11a; plus strand). Cytogenetic location: 18q21.33.
Variant type: single nucleotide variant.
Coding change: c.575C>T on transcript NM_003839.4 (MANE Select); coding-DNA position 575, C replaced by T.
Protein change: p.Ala192Val; replaces alanine 192 with valine.
Molecular consequence: missense variant.
Genome position (GRCh38, 1-based): chr18:62,360,008, C>T. VCF-style: chr18-62360008-C-T. GRCh37 (hg19) VCF-style: chr18-60027241-C-T.
Other names: c.575C>T, p.Ala192Val (NM_001270949.2, NM_001270950.2, NM_001270951.2); c.533C>T, p.Ala178Val (NM_001278268.2); short protein forms A192V, A178V.
Identifiers: ClinVar variation 259182 (VCV000259182.26), dbSNP rs1805034, ClinGen allele CA8983802.

ClinVar aggregate classification (germline): Benign/Likely benign. Review status: criteria provided, multiple submitters, no conflicts (2 of 4 stars). 8 submissions from 8 submitters: Benign (7); Likely benign (1). Last evaluated 2026-02-04.

Conditions:
Disorder of bone. Also called: Rare bone disease related to a common gene or pathway defect; Bone disease; Bone disorder. Identifiers: Orphanet 364803, MedGen C0005940, MONDO:0005381.

Allele frequency attached by ClinVar (database versions not stated): gnomAD exomes 0.51562 and 0.54469; ExAC 0.53679; ESP Exome Variant Server 0.55228; gnomAD 0.56361 and 0.56701; TOPMed 0.58018; 1000 Genomes Project 30x 0.59354; 1000 Genomes Project 0.59425.
gnomAD v4.1: 839,505 of 1,612,518 alleles (52%); highest among the groups gnomAD compares: East Asian, 69%; 221,917 homozygotes.

Submissions (8):

Labcorp Genetics (formerly Invitae), Labcorp
Classification: Benign. Last evaluated: 2026-02-04. Review status: criteria provided, single submitter. Criteria: Invitae Variant Classification Sherloc (09022015). Collection method: clinical testing. Allele origin: germline.

Mayo Clinic Laboratories, Mayo Clinic
Classification: Benign. Last evaluated: 2025-07-29. Review status: criteria provided, single submitter. Criteria: ACMG Guidelines, 2015. Collection method: clinical testing. Allele origin: germline. Observed: 38 variant alleles.
Comment: BA1, BP4

Blueprint Genetics
Classification: Benign. Last evaluated: 2024-11-28. Review status: criteria provided, single submitter. Criteria: ACMG Guidelines, 2015. Collection method: clinical testing. Allele origin: germline.

GeneDx
Classification: Benign. Last evaluated: 2018-11-12. Review status: criteria provided, single submitter. Criteria: GeneDx Variant Classification Process June 2021. Collection method: clinical testing. Allele origin: germline. Affected: yes.
Comment: This variant is associated with the following publications: (PMID: 20564239, 21987421)

Genome Diagnostics Laboratory, The Hospital for Sick Children
Classification: Benign for Disorder of bone. Last evaluated: 2016-08-29. Review status: criteria provided, single submitter. Criteria: ACMG Guidelines, 2015. Collection method: clinical testing. Allele origin: germline. Affected: yes.
Comment: This missense variant is classified as Benign (ACMG criteria - BA1)

Laboratory for Molecular Medicine, Mass General Brigham Personalized Medicine
Classification: Benign. Last evaluated: 2016-03-28. Review status: criteria provided, single submitter. Criteria: LMM Criteria. Collection method: clinical testing. Allele origin: germline.
Comment: Variant identified in a genome or exome case(s) and assessed due to predicted null impact of the variant or pathogenic assertions in the literature or databases. Disclaimer: This variant has not undergone full assessment. The following are preliminary notes: Frequency

Breakthrough Genomics
Classification: Likely benign. Review status: criteria provided, single submitter. Criteria: ACMG Guidelines, 2015. Collection method: not provided. Allele origin: germline. Inheritance: Autosomal recessive inheritance. Affected: yes.

PreventionGenetics, part of Exact Sciences
Classification: Benign. Review status: criteria provided, single submitter. Criteria: ACMG Guidelines, 2015. Collection method: clinical testing. Allele origin: germline.